The following continues an entry in ClinVar:

NM_000059.4(BRCA2):c.3032C>G (p.Thr1011Arg)

Gene: BRCA2. ClinVar aggregate classification (germline): Conflicting classifications of pathogenicity. Uncertain significance (8); Likely benign (7).

Submissions 12 to 20 of 20:

GeneKor MSA
Classification: Uncertain significance for Hereditary cancer-predisposing syndrome. Last evaluated: 2018-08-01. Review status: criteria provided, single submitter. Criteria: ACMG Guidelines, 2015. Collection method: clinical testing. Allele origin: germline. Affected: yes.

Ambry Genetics
Classification: Likely benign for Hereditary cancer-predisposing syndrome. Last evaluated: 2018-07-13. Review status: criteria provided, single submitter. Criteria: Ambry Variant Classification Scheme 2023. Collection method: clinical testing. Allele origin: germline.

CeGaT Center for Human Genetics Tuebingen
Classification: Uncertain significance. Last evaluated: 2016-08-01. Review status: criteria provided, single submitter. Criteria: CeGaT Center For Human Genetics Tuebingen Variant Classification Criteria Version 2. Collection method: clinical testing. Allele origin: germline. Affected: yes. Observed: 1 variant allele.

Color Diagnostics, LLC DBA Color Health
Classification: Likely benign for Hereditary cancer-predisposing syndrome. Last evaluated: 2016-04-18. Review status: criteria provided, single submitter. Criteria: ACMG Guidelines, 2015. Collection method: clinical testing. Allele origin: germline.

PreventionGenetics, part of Exact Sciences
Classification: Likely benign for BRCA2-related condition. Last evaluated: 2020-07-07. Review status: no assertion criteria provided. Collection method: clinical testing. Allele origin: germline. Not counted in ClinVar's aggregate classification.
Comment: This variant is classified as likely benign based on ACMG/AMP sequence variant interpretation guidelines (Richards et al. 2015 PMID: 25741868, with internal and published modifications).

Counsyl
Classification: Uncertain significance for Breast-ovarian cancer, familial, susceptibility to, 2. Last evaluated: 2016-06-14. Review status: no assertion criteria provided. Collection method: clinical testing. Allele origin: unknown. Not counted in ClinVar's aggregate classification.

CSER _CC_NCGL, University of Washington
Classification: Likely benign for Breast cancer. Last evaluated: 2014-06-01. Review status: no assertion criteria provided. Collection method: research. Allele origin: germline. Inheritance: Autosomal dominant inheritance. Study: ESP 6500 variant annotation. Not counted in ClinVar's aggregate classification.
Comment: Variants classified for the Actionable exomic incidental findings in 6503 participants: challenges of variant classification manuscript

Sharing Clinical Reports Project (SCRP)
Classification: Likely benign for Breast-ovarian cancer, familial 2. Last evaluated: 2012-05-01. Review status: no assertion criteria provided. Collection method: clinical testing. Allele origin: germline. Not counted in ClinVar's aggregate classification.

Breast Cancer Information Core (BIC) (BRCA2)
Classification: Uncertain significance for Breast-ovarian cancer, familial 2. Last evaluated: 2004-02-20. Review status: no assertion criteria provided. Collection method: clinical testing. Allele origin: germline. Affected: yes. Observed: 4 variant alleles. Not counted in ClinVar's aggregate classification.

Literature cited by the submitters: PubMed 29021639 (cited by Quest Diagnostics Nichols Institute San Juan Capistrano and Sema4); PubMed 26992456 (cited by Quest Diagnostics Nichols Institute San Juan Capistrano); PubMed 25637381 (cited by 4 submitters); PubMed 32613071 (cited by Quest Diagnostics Nichols Institute San Juan Capistrano and Sema4); PubMed 33471991 (cited by Quest Diagnostics Nichols Institute San Juan Capistrano and Sema4); PubMed 35409996 (cited by Quest Diagnostics Nichols Institute San Juan Capistrano); PubMed 31911673 (cited by Quest Diagnostics Nichols Institute San Juan Capistrano); PubMed 34284872 (cited by Quest Diagnostics Nichols Institute San Juan Capistrano); PubMed 36881271 (cited by Quest Diagnostics Nichols Institute San Juan Capistrano); PubMed 31159747 (cited by Quest Diagnostics Nichols Institute San Juan Capistrano and Sema4); PubMed 32123317 (cited by Quest Diagnostics Nichols Institute San Juan Capistrano and Sema4); PubMed 38075165 (cited by Quest Diagnostics Nichols Institute San Juan Capistrano and Women's Health and Genetics/Laboratory Corporation of America, LabCorp); PubMed 23328489 (cited by 4 submitters); PubMed 21671020 (cited by 4 submitters); PubMed 22293751 (cited by 4 submitters); PubMed 25948282 (cited by 4 submitters); PubMed 22711857 (cited by 4 submitters); PubMed 12845657 (cited by 4 submitters); PubMed 24323938 (cited by Quest Diagnostics Nichols Institute San Juan Capistrano and Women's Health and Genetics/Laboratory Corporation of America, LabCorp); PubMed 28477318 (cited by 4 submitters).